The following is an entry in ClinVar:

NM_017866.6(TMEM70):c.759G>A (p.Glu253=)

Gene: TMEM70 (transmembrane protein 70; plus strand). Cytogenetic location: 8q21.11.
Variant type: single nucleotide variant.
Coding change: c.759G>A on transcript NM_017866.6 (MANE Select); coding-DNA position 759, G replaced by A.
Protein change: p.Glu253=; no amino-acid change (glutamic acid 253 retained).
Molecular consequence: synonymous variant. On other transcripts: 3 prime UTR variant (1), non-coding transcript variant (1).
Genome position (GRCh38, 1-based): chr8:73,981,597, G>A. VCF-style: chr8-73981597-G-A. GRCh37 (hg19) VCF-style: chr8-74893832-G-A.
Other names: c.*449G>A (NM_001040613.3).
Identifiers: ClinVar variation 514771 (VCV000514771.5), dbSNP rs746272027, ClinGen allele CA4784110.

ClinVar aggregate classification (germline): Likely benign. Review status: criteria provided, multiple submitters, no conflicts (2 of 4 stars). 2 submissions from 2 submitters: Likely benign (2). Last evaluated 2025-12-17.

Conditions:
Mitochondrial complex V (ATP synthase) deficiency, nuclear type 2. Also called: Nuclear-Encoded ATPase Deficiency, TMEM70-Related; MITOCHONDRIAL COMPLEX V (ATP SYNTHASE) DEFICIENCY, TMEM70 TYPE; ENCEPHALOCARDIOMYOPATHY, MITOCHONDRIAL, NEONATAL, DUE TO ATP SYNTHASE DEFICIENCY. Identifiers: Orphanet 1194, MedGen C3279699, MONDO:0013546, OMIM 614052.

Allele frequency attached by ClinVar (database versions not stated): gnomAD 0.00001; TOPMed 0.00001; ExAC 0.00002; gnomAD exomes 0.00002.
gnomAD v4.1: 14 of 1,609,456 alleles (0.00087%); highest among the groups gnomAD compares: Non-Finnish European, 0.0011%; no homozygotes.

Submissions (2):

Labcorp Genetics (formerly Invitae), Labcorp
Classification: Likely benign for Mitochondrial complex V (ATP synthase) deficiency, nuclear type 2. Last evaluated: 2025-12-17. Review status: criteria provided, single submitter. Criteria: Invitae Variant Classification Sherloc (09022015). Collection method: clinical testing. Allele origin: germline.

GeneDx
Classification: Likely benign. Last evaluated: 2018-01-29. Review status: criteria provided, single submitter. Criteria: GeneDx Variant Classification (06012015). Collection method: clinical testing. Allele origin: germline. Affected: yes.
Comment: This variant is considered likely benign or benign based on one or more of the following criteria: it is a conservative change, it occurs at a poorly conserved position in the protein, it is predicted to be benign by multiple in silico algorithms, and/or has population frequency not consistent with disease.